The following is an entry in ClinVar:

NM_198576.4(AGRN):c.3916A>G (p.Thr1306Ala)

Gene: AGRN (agrin; plus strand). Cytogenetic location: 1p36.33.
Variant type: single nucleotide variant.
Coding change: c.3916A>G on transcript NM_198576.4 (MANE Select); coding-DNA position 3916, A replaced by G.
Protein change: p.Thr1306Ala; replaces threonine 1306 with alanine.
Molecular consequence: missense variant.
Genome position (GRCh38, 1-based): chr1:1,048,176, A>G. VCF-style: chr1-1048176-A-G. GRCh37 (hg19) VCF-style: chr1-983556-A-G.
Other names: c.3916A>G, p.Thr1306Ala (NM_001305275.2); c.3601A>G, p.Thr1201Ala (NM_001364727.2); short protein forms T1306A, T1201A.
Identifiers: ClinVar variation 1981075 (VCV001981075.4), dbSNP rs2100668489, ClinGen allele CA337853024.

ClinVar aggregate classification (germline): Uncertain significance (1 of 4 stars; one submission).

Conditions:
Congenital myasthenic syndrome 8. Also called: MYASTHENIC SYNDROME, CONGENITAL, DUE TO AGRIN DEFICIENCY; Myasthenic syndrome, congenital, 8, with pre- and postsynaptic defects. Identifiers: Orphanet 590, MedGen C3808739, MONDO:0014052, OMIM 615120.

Allele frequency attached by ClinVar (database versions not stated): gnomAD exomes below 0.00001.
gnomAD v4.1: 2 of 1,573,640 alleles (0.00013%); highest among the groups gnomAD compares: Non-Finnish European, 0.00017%; no homozygotes.

Submission:

Labcorp Genetics (formerly Invitae), Labcorp
Classification: Uncertain significance for Congenital myasthenic syndrome 8. Last evaluated: 2022-02-06. Review status: criteria provided, single submitter. Criteria: Invitae Variant Classification Sherloc (09022015). Collection method: clinical testing. Allele origin: germline.
Comment: This variant has not been reported in the literature in individuals affected with AGRN-related conditions. This variant is not present in population databases (gnomAD no frequency). This sequence change replaces threonine, which is neutral and polar, with alanine, which is neutral and non-polar, at codon 1306 of the AGRN protein (p.Thr1306Ala). Algorithms developed to predict the effect of missense changes on protein structure and function output the following: SIFT: "Deleterious"; PolyPhen-2: "Possibly Damaging"; Align-GVGD: "Class C0". The alanine amino acid residue is found in multiple mammalian species, which suggests that this missense change does not adversely affect protein function. In summary, the available evidence is currently insufficient to determine the role of this variant in disease. Therefore, it has been classified as a Variant of Uncertain Significance.